The following is an entry in ClinVar:

ClinVar aggregate classification (germline): Uncertain significance (1 of 4 stars; one submission).

Conditions:
Intellectual developmental disorder, autosomal dominant 1. Also called: MBD5 Haploinsufficiency; Intellectual disability, autosomal dominant 1. Identifiers: Orphanet 228402, MedGen C1969562, MONDO:0007974, OMIM 156200.

gnomAD v4.1: 3 of 1,614,016 alleles (0.00019%); highest among the groups gnomAD compares: Admixed American, 0.005%; no homozygotes.

Submission:

Labcorp Genetics (formerly Invitae), Labcorp
Classification: Uncertain significance for Intellectual developmental disorder, autosomal dominant 1. Last evaluated: 2024-12-30. Review status: criteria provided, single submitter. Criteria: Invitae Variant Classification Sherloc (09022015). Collection method: clinical testing. Allele origin: germline.
Comment: This sequence change replaces valine, which is neutral and non-polar, with alanine, which is neutral and non-polar, at codon 1143 of the MBD5 protein (p.Val1143Ala). This variant is present in population databases (no rsID available, gnomAD 0.003%). This variant has not been reported in the literature in individuals affected with MBD5-related conditions. Experimental studies and prediction algorithms are not available or were not evaluated, and the functional significance of this variant is currently unknown. In summary, the available evidence is currently insufficient to determine the role of this variant in disease. Therefore, it has been classified as a Variant of Uncertain Significance.

NM_001378120.1(MBD5):c.4127T>C (p.Val1376Ala)

Gene: MBD5 (methyl-CpG binding domain protein 5; plus strand). Cytogenetic location: 2q23.1.
Variant type: single nucleotide variant.
Coding change: c.4127T>C on transcript NM_001378120.1 (MANE Select); coding-DNA position 4127, T replaced by C.
Protein change: p.Val1376Ala; replaces valine 1376 with alanine.
Molecular consequence: missense variant.
Genome position (GRCh38, 1-based): chr2:148,489,759, T>C. VCF-style: chr2-148489759-T-C. GRCh37 (hg19) VCF-style: chr2-149247328-T-C.
Other names: c.3428T>C, p.Val1143Ala (NM_018328.5); short protein forms V1376A, V1143A.
Identifiers: ClinVar variation 3680702 (VCV003680702.2).